The following is an entry in ClinVar:

ClinVar aggregate classification (germline): Uncertain significance (1 of 4 stars; one submission).

Conditions:
Spastic ataxia 2. Also called: Ataxia, spastic, 2, autosomal recessive. Identifiers: Orphanet 397946, MedGen C1969796, MONDO:0012651, OMIM 611302.

Allele frequency attached by ClinVar (database versions not stated): ExAC 0.00002; gnomAD 0.00002; TOPMed 0.00002; gnomAD exomes 0.00004.
gnomAD v4.1: 113 of 1,580,770 alleles (0.0071%); highest among the groups gnomAD compares: Non-Finnish European, 0.009%; no homozygotes.

Submission:

Labcorp Genetics (formerly Invitae), Labcorp
Classification: Uncertain significance for Spastic ataxia 2. Last evaluated: 2021-08-05. Review status: criteria provided, single submitter. Criteria: Invitae Variant Classification Sherloc (09022015). Collection method: clinical testing. Allele origin: germline.
Comment: The frequency data for this variant in the population databases is considered unreliable, as metrics indicate poor data quality at this position in the ExAC database. In summary, the available evidence is currently insufficient to determine the role of this variant in disease. Therefore, it has been classified as a Variant of Uncertain Significance. Algorithms developed to predict the effect of sequence changes on RNA splicing suggest that this variant may create or strengthen a splice site. Algorithms developed to predict the effect of missense changes on protein structure and function are either unavailable or do not agree on the potential impact of this missense change (SIFT: "Deleterious"; PolyPhen-2: "Possibly Damaging"; Align-GVGD: "Class C0"). This variant has not been reported in the literature in individuals affected with KIF1C-related conditions. This sequence change replaces arginine with glutamine at codon 768 of the KIF1C protein (p.Arg768Gln). The arginine residue is highly conserved and there is a small physicochemical difference between arginine and glutamine.

NM_006612.6(KIF1C):c.2303G>A (p.Arg768Gln)

Gene: KIF1C (kinesin family member 1C; plus strand). Cytogenetic location: 17p13.2.
Variant type: single nucleotide variant.
Coding change: c.2303G>A on transcript NM_006612.6 (MANE Select); coding-DNA position 2303, G replaced by A.
Protein change: p.Arg768Gln; replaces arginine 768 with glutamine.
Molecular consequence: missense variant.
Genome position (GRCh38, 1-based): chr17:5,022,384, G>A. VCF-style: chr17-5022384-G-A. GRCh37 (hg19) VCF-style: chr17-4925679-G-A.
Other names: short protein forms R768Q.
Identifiers: ClinVar variation 1398698 (VCV001398698.6), dbSNP rs552440254, ClinGen allele CA8319264.